The following is an entry in ClinVar:

ClinVar aggregate classification (germline): Uncertain significance. Review status: criteria provided, multiple submitters, no conflicts (2 of 4 stars). 2 submissions from 2 submitters: Uncertain significance (2). Last evaluated 2023-07-04.

Conditions:
Bethlem myopathy 1A. Also called: MYOPATHY, BENIGN CONGENITAL, WITH CONTRACTURES; Bethlem Muscular Dystrophy; Bethlem myopathy 1. Identifiers: Orphanet 610, MedGen CN029274, MONDO:0024530, OMIM 158810.

gnomAD v4.1: 5 of 1,613,036 alleles (0.00031%); highest among the groups gnomAD compares: Non-Finnish European, 0.00042%; no homozygotes.

Submissions (2):

GeneDx
Classification: Uncertain significance. Last evaluated: 2023-07-04. Review status: criteria provided, single submitter. Criteria: GeneDx Variant Classification Process June 2021. Collection method: clinical testing. Allele origin: germline. Affected: yes.
Comment: Identified in an individual with a spontaneous coronary artery dissection, however additional clinical information was not provided (Zekavat et al., 2022); Not observed at significant frequency in large population cohorts (gnomAD); In silico analysis supports that this missense variant has a deleterious effect on protein structure/function; This variant is associated with the following publications: (PMID: 35234813)

Labcorp Genetics (formerly Invitae), Labcorp
Classification: Uncertain significance for Bethlem myopathy 1A. Last evaluated: 2022-07-17. Review status: criteria provided, single submitter. Criteria: Invitae Variant Classification Sherloc (09022015). Collection method: clinical testing. Allele origin: germline.
Comment: In summary, the available evidence is currently insufficient to determine the role of this variant in disease. Therefore, it has been classified as a Variant of Uncertain Significance. This sequence change replaces aspartic acid, which is acidic and polar, with tyrosine, which is neutral and polar, at codon 905 of the COL6A1 protein (p.Asp905Tyr). This variant is present in population databases (rs149331149, gnomAD 0.0009%). This variant has not been reported in the literature in individuals affected with COL6A1-related conditions. Advanced modeling of protein sequence and biophysical properties (such as structural, functional, and spatial information, amino acid conservation, physicochemical variation, residue mobility, and thermodynamic stability) performed at Invitae indicates that this missense variant is not expected to disrupt COL6A1 protein function.

NM_001848.3(COL6A1):c.2713G>T (p.Asp905Tyr)

Gene: COL6A1 (collagen type VI alpha 1 chain; plus strand). Cytogenetic location: 21q22.3.
Variant type: single nucleotide variant.
Coding change: c.2713G>T on transcript NM_001848.3 (MANE Select); coding-DNA position 2713, G replaced by T.
Protein change: p.Asp905Tyr; replaces aspartic acid 905 with tyrosine.
Molecular consequence: missense variant.
Genome position (GRCh38, 1-based): chr21:46,003,639, G>T. VCF-style: chr21-46003639-G-T. GRCh37 (hg19) VCF-style: chr21-47423553-G-T.
Other names: short protein forms D905Y.
Identifiers: ClinVar variation 2057530 (VCV002057530.5), dbSNP rs149331149, ClinGen allele CA10071011.